The following is an entry in ClinVar:

ClinVar aggregate classification (germline): Uncertain significance (1 of 4 stars; one submission).

Allele frequency attached by ClinVar (database versions not stated): gnomAD exomes 0.00001; gnomAD 0.00005; TOPMed 0.00008.
gnomAD v4.1: 14 of 1,613,230 alleles (0.00087%); highest among the groups gnomAD compares: Admixed American, 0.023%; no homozygotes.

Submission:

Labcorp Genetics (formerly Invitae), Labcorp
Classification: Uncertain significance. Last evaluated: 2024-12-04. Review status: criteria provided, single submitter. Criteria: Invitae Variant Classification Sherloc (09022015). Collection method: clinical testing. Allele origin: germline.
Comment: This sequence change replaces glycine, which is neutral and non-polar, with alanine, which is neutral and non-polar, at codon 95 of the TCF3 protein (p.Gly95Ala). This variant is present in population databases (rs751936947, gnomAD 0.01%). This variant has not been reported in the literature in individuals affected with TCF3-related conditions. ClinVar contains an entry for this variant (Variation ID: 1908460). Invitae Evidence Modeling of protein sequence and biophysical properties (such as structural, functional, and spatial information, amino acid conservation, physicochemical variation, residue mobility, and thermodynamic stability) indicates that this missense variant is not expected to disrupt TCF3 protein function with a negative predictive value of 80%. In summary, the available evidence is currently insufficient to determine the role of this variant in disease. Therefore, it has been classified as a Variant of Uncertain Significance.

NM_003200.5(TCF3):c.284G>C (p.Gly95Ala)

Gene: TCF3 (transcription factor 3; minus strand). Cytogenetic location: 19p13.3.
Variant type: single nucleotide variant.
Coding change: c.284G>C on transcript NM_003200.5 (MANE Select); coding-DNA position 284, G replaced by C.
Protein change: p.Gly95Ala; replaces glycine 95 with alanine.
Molecular consequence: missense variant.
Genome position (GRCh38, 1-based): chr19:1,632,052, C>G on the plus strand (G>C on the coding strand, the complement: TCF3 is on the minus strand). VCF-style: chr19-1632052-C-G. GRCh37 (hg19) VCF-style: chr19-1632051-C-G.
Other names: c.284G>C, p.Gly95Ala (NM_001136139.4, NM_001351778.2, NM_001351779.2); short protein forms G95A.
Identifiers: ClinVar variation 1908460 (VCV001908460.5), dbSNP rs751936947, ClinGen allele CA304102551.